The following is an entry in ClinVar:

ClinVar aggregate classification (germline): Likely benign. Review status: criteria provided, multiple submitters, no conflicts (2 of 4 stars). 3 submissions from 3 submitters: Likely benign (3). Last evaluated 2025-08-11.

Conditions:
Acrocallosal syndrome (ACLS). Also called: Schinzel syndrome 1; Absence of corpus callosum with unusual facial appearance, mental deficiency, duplication of the halluces and polydactyly; HALLUX DUPLICATION, POSTAXIAL POLYDACTYLY, AND ABSENCE OF CORPUS CALLOSUM. Identifiers: Orphanet 36, MedGen C0796147, MONDO:0008708, OMIM 200990.

gnomAD v4.1: 97 of 1,608,740 alleles (0.006%); highest among the groups gnomAD compares: Non-Finnish European, 0.0074%; no homozygotes.

Submissions (3):

Labcorp Genetics (formerly Invitae), Labcorp
Classification: Likely benign for Acrocallosal syndrome. Last evaluated: 2025-08-11. Review status: criteria provided, single submitter. Criteria: Invitae Variant Classification Sherloc (09022015). Collection method: clinical testing. Allele origin: germline.

CeGaT Center for Human Genetics Tuebingen
Classification: Likely benign. Last evaluated: 2025-07-01. Review status: criteria provided, single submitter. Criteria: CeGaT Center For Human Genetics Tuebingen Variant Classification Criteria Version 2. Collection method: clinical testing. Allele origin: germline. Affected: yes. Observed: 3 variant alleles.
Comment: KIF7: BP4

Blueprint Genetics
Classification: Likely benign. Last evaluated: 2024-11-23. Review status: criteria provided, single submitter. Criteria: ACMG Guidelines, 2015. Collection method: clinical testing. Allele origin: germline.

NM_198525.3(KIF7):c.3345C>T (p.His1115=)

Genes: KIF7 (kinesin family member 7; minus strand), LOC126862216 (BRD4-independent group 4 enhancer GRCh37_chr15:90171995-90173194; plus strand). Cytogenetic location: 15q26.1.
Variant type: single nucleotide variant.
Coding change: c.3345C>T on transcript NM_198525.3 (MANE Select); coding-DNA position 3345, C replaced by T.
Protein change: p.His1115=; no amino-acid change (histidine 1115 retained).
Molecular consequence: synonymous variant.
Genome position (GRCh38, 1-based): chr15:89,629,547, G>A on the plus strand (C>T on the coding strand, the complement: KIF7 is on the minus strand). VCF-style: chr15-89629547-G-A. GRCh37 (hg19) VCF-style: chr15-90172778-G-A.
Identifiers: ClinVar variation 1638582 (VCV001638582.33), dbSNP rs142032413, ClinGen allele CA7727729.
Genomic context (GRCh38, chr15:89,629,547, plus strand): 5'-CACCAGCCTCTGCTGCTCCTCCAGCTGCATCTCCAGTTCCGAGAAGGCAATCTGCTGCTG[G>A]TGCTGCTCCTCTCGGAGCGTCACCACCTGTCCCAAGACCCAGCCAGGCTCAGCCCTCATC-3'
Protein context (NP_940927.2, residues 1105-1125): DKVVTLREEQ[His1115=]QQQIAFSELE